The following is an entry in ClinVar:

ClinVar aggregate classification (germline): Uncertain significance (1 of 4 stars; one submission).

Allele frequency attached by ClinVar (database versions not stated): gnomAD exomes below 0.00001; TOPMed below 0.00001.
gnomAD v4.1: 3 of 1,583,354 alleles (0.00019%); highest among the groups gnomAD compares: Non-Finnish European, 0.00026%; no homozygotes.

Submission:

Labcorp Genetics (formerly Invitae), Labcorp
Classification: Uncertain significance. Last evaluated: 2025-08-30. Review status: criteria provided, single submitter. Criteria: Invitae Variant Classification Sherloc (09022015). Collection method: clinical testing. Allele origin: germline.
Comment: This sequence change replaces asparagine, which is neutral and polar, with aspartic acid, which is acidic and polar, at codon 266 of the POLE2 protein (p.Asn266Asp). This variant is present in population databases (no rsID available, gnomAD 0.002%). This variant has not been reported in the literature in individuals affected with POLE2-related conditions. ClinVar contains an entry for this variant (Variation ID: 2906940). An algorithm developed to predict the effect of missense changes on protein structure and function (PolyPhen-2) suggests that this variant is likely to be tolerated. In summary, the available evidence is currently insufficient to determine the role of this variant in disease. Therefore, it has been classified as a Variant of Uncertain Significance.

NM_002692.4(POLE2):c.796A>G (p.Asn266Asp)

Gene: POLE2 (DNA polymerase epsilon 2, accessory subunit; minus strand). Cytogenetic location: 14q21.3.
Variant type: single nucleotide variant.
Coding change: c.796A>G on transcript NM_002692.4 (MANE Select); coding-DNA position 796, A replaced by G.
Protein change: p.Asn266Asp; replaces asparagine 266 with aspartic acid.
Molecular consequence: missense variant.
Genome position (GRCh38, 1-based): chr14:49,655,803, T>C on the plus strand (A>G on the coding strand, the complement: POLE2 is on the minus strand). VCF-style: chr14-49655803-T-C. GRCh37 (hg19) VCF-style: chr14-50122521-T-C.
Other names: c.718A>G, p.Asn240Asp (NM_001197330.2); c.796A>G, p.Asn266Asp (NM_001197331.3, NM_001348384.2); c.565A>G, p.Asn189Asp (NM_001348385.2); short protein forms N240D, N266D, N189D.
Identifiers: ClinVar variation 2906940 (VCV002906940.3), dbSNP rs1335836502, ClinGen allele CA389604520.